The following is an entry in ClinVar:

ClinVar aggregate classification (germline): Pathogenic/Likely pathogenic. Review status: criteria provided, multiple submitters, no conflicts (2 of 4 stars). 8 submissions from 8 submitters: Pathogenic (3); Likely pathogenic (4). 1 of the submissions does not count toward it. Last evaluated 2026-03-19.

Conditions:
CFTR-related disorder (CFTR-RD). Also called: CFTR-related disorders; CFTR-related condition. Identifiers: MedGen C5924204, MONDO:7770004.
Cystic fibrosis (CF). Also called: MUCOVISCIDOSIS. Identifiers: Orphanet 586, MedGen C0010674, MONDO:0009061, OMIM 219700. Disease mechanism: loss of function.

Allele frequency attached by ClinVar (database versions not stated): gnomAD 0.00006; gnomAD exomes below 0.00001; TOPMed 0.00001.
gnomAD v4.1: 5 of 1,598,888 alleles (0.00031%); no homozygotes.

Submissions (8):

Women's Health and Genetics/Laboratory Corporation of America, LabCorp
Classification: Pathogenic for Cystic fibrosis. Last evaluated: 2026-03-19. Review status: criteria provided, single submitter. Criteria: LabCorp Variant Classification Summary - May 2015. Collection method: clinical testing. Allele origin: germline.
Comment: Variant summary: CFTR c.169T>C (p.Trp57Arg) results in a non-conservative amino acid change in the encoded protein sequence. Algorithms developed to predict the effect of missense changes on protein structure and function all suggest that this variant is likely to be disruptive. The variant was absent in 250754 control chromosomes. c.169T>C has been reported in the presumed compound heterozygous state in at least 2 individuals with clinical features of cystic fibrosis (Duursma_2022, VanBiervliet_2018, Raraigh_2022, Sickkids_database, internal data). These data indicate that the variant may be associated with disease. A different variant affecting the same codon has been classified as likely pathogenic/pathogenic by our lab (c.169T>G, p.Trp57Gly), supporting the critical relevance of codon 57 to CFTR protein function. At least one publication reports experimental evidence evaluating an impact on protein function. The most pronounced variant effect resulted in approximately 1.79% of normal chloride channel conductance relative to wild type (e.g., Bihler_2024). The following publications have been ascertained in the context of this evaluation (PMID: 35697137, 34782259, 30144894, 38388235). ClinVar contains an entry for this variant (Variation ID: 53346). Based on the evidence outlined above, the variant was classified as pathogenic.

Labcorp Genetics (formerly Invitae), Labcorp
Classification: Pathogenic for Cystic fibrosis. Last evaluated: 2025-08-21. Review status: criteria provided, single submitter. Criteria: Invitae Variant Classification Sherloc (09022015). Collection method: clinical testing. Allele origin: germline.
Comment: This sequence change replaces tryptophan, which is neutral and slightly polar, with arginine, which is basic and polar, at codon 57 of the CFTR protein (p.Trp57Arg). This variant is present in population databases (rs397508272, gnomAD 0.03%). This missense change has been observed in individual(s) with clinical features of cystic fibrosis (PMID: 16051530, 28830496; internal data). ClinVar contains an entry for this variant (Variation ID: 53346). Invitae Evidence Modeling of protein sequence and biophysical properties (such as structural, functional, and spatial information, amino acid conservation, physicochemical variation, residue mobility, and thermodynamic stability) indicates that this missense variant is expected to disrupt CFTR protein function with a positive predictive value of 80%. This variant disrupts the p.Trp57 amino acid residue in CFTR. Other variant(s) that disrupt this residue have been determined to be pathogenic (PMID: 7544319, 23974870, 29805046). This suggests that this residue is clinically significant, and that variants that disrupt this residue are likely to be disease-causing. For these reasons, this variant has been classified as Pathogenic.

Natera, Inc.
Classification: Likely pathogenic for CFTR-related disorders. Last evaluated: 2024-11-19. Review status: criteria provided, single submitter. Criteria: Natera Variant Classification Schema (03/2026). Collection method: clinical testing. Allele origin: germline.
Comment: The c.169T>C variant in CFTR is a missense variant predicted to cause substitution of tryptophan to arginine at amino acid 57. This variant is rare in the general population with a frequency below the threshold expected for the associated phenotype(s). This variant has been observed in one or more individuals affected with the associated recessive disease, as either homozygous or compound heterozygous with a second variant (PMID: 36428953, 35072004, 30144894). Functional studies show that this variant may disrupt protein function (PMID: 38388235). A different variant at the same position has been determined to be Pathogenic or Likely Pathogenic. Computational prediction algorithms indicate this variant is likely to affect gene or protein function. Given the available evidence, this variant is classified as Likely Pathogenic.

Quest Diagnostics Nichols Institute San Juan Capistrano
Classification: Likely pathogenic. Last evaluated: 2024-06-27. Review status: criteria provided, single submitter. Criteria: Quest Diagnostics criteria. Collection method: clinical testing. Allele origin: unknown.
Comment: The CFTR c.169T>C (p.Trp57Arg) variant has been reported in the published literature in individuals with cystic fibrosis (PMIDs: 36428953 (2022), 34782259 (2022), 28830496 (2017), 16051530 (2005)) and CFTR-related hepatic disorder (PMID: 35697137 (2022)). A functional study indicates that disruption of the p.Trp57 residue results in a significant loss of properly-processed CFTR protein (PMID: 15141088 (2004)), and consistent with this finding, a different missense at this codon (p.Trp57Gly) was shown to have deleterious effects on CFTR function (PMID: 29805046 (2018)). The frequency of the c.169T>C (p.Trp57Arg) variant in the general population, 0.000064 (2/31402 chromosomes (Genome Aggregation Database)), is uninformative in the assessment of its pathogenicity. Analysis of this variant using bioinformatics tools for the prediction of the effect of amino acid changes on protein structure and function yielded predictions that this variant is damaging. Based on the available information, this variant is classified as likely pathogenic.

Ambry Genetics
Classification: Likely pathogenic for Cystic fibrosis. Last evaluated: 2023-04-10. Review status: criteria provided, single submitter. Criteria: Ambry Variant Classification Scheme 2023. Collection method: clinical testing. Allele origin: germline.
Comment: The p.W57R variant (also known as c.169T>C), located in coding exon 3 of the CFTR gene, results from a T to C substitution at nucleotide position 169. The tryptophan at codon 57 is replaced by arginine, an amino acid with dissimilar properties. This variant has been detected in conjunction with a pathogenic mutation in CFTR by our laboratory; however, the phase (whether in cis or trans) is not known. This alteration has also been identified in multiple individuals diagnosed with cystic fibrosis (Kinnunen S et al. J. Cyst. Fibros., 2005 Dec;4:233-7; De Wachter E et al. Orphanet J Rare Dis, 2017 Aug;12:142; Auzenbaha M et al. Diagnostics (Basel), 2022 Nov;12:). Based on internal structural analysis, this alteration is more disruptive than known pathogenic variants nearby (Liu F et al. Cell, 2017 Mar;169:85-95.e8). Furthermore, an in vitro study showed that this tryptophan residue is essential for processing of the CFTR protein (Cormet-Boyaka E et al. Proc. Natl. Acad. Sci. U.S.A., 2004 May;101:8221-6). This amino acid position is highly conserved in available vertebrate species. In addition, this alteration is predicted to be deleterious by in silico analysis. Based on the majority of available evidence to date, this variant is likely to be pathogenic.

Genome-Nilou Lab
Classification: Likely pathogenic for Cystic fibrosis. Last evaluated: 2021-07-22. Review status: criteria provided, single submitter. Criteria: ACMG Guidelines, 2015. Collection method: clinical testing. Allele origin: germline. Affected: no.

Clinical Genetics and Genomics, Karolinska University Hospital
Classification: Pathogenic. Last evaluated: 2019-10-10. Review status: criteria provided, single submitter. Criteria: ACMG Guidelines, 2015. Collection method: clinical testing. Allele origin: germline. Affected: yes. Observed: 2 variant alleles.

ClinVar Staff, National Center for Biotechnology Information (NCBI)
No classification provided. Condition: CFTR-related disorders. Review status: no classification provided. Collection method: literature only. Allele origin: germline. Affected: yes. Not counted in ClinVar's aggregate classification.

Literature cited by the submitters: PubMed 34782259 (cited by Women's Health and Genetics/Laboratory Corporation of America, LabCorp and Quest Diagnostics Nichols Institute San Juan Capistrano); PubMed 35697137 (cited by Women's Health and Genetics/Laboratory Corporation of America, LabCorp and Quest Diagnostics Nichols Institute San Juan Capistrano); PubMed 30144894 (cited by 3 submitters); PubMed 38388235 (cited by Women's Health and Genetics/Laboratory Corporation of America, LabCorp and Natera, Inc.); PubMed 16051530 (cited by 4 submitters); PubMed 28830496 (cited by 3 submitters); PubMed 7544319 (cited by Labcorp Genetics (formerly Invitae), Labcorp); PubMed 23974870 (cited by Labcorp Genetics (formerly Invitae), Labcorp); PubMed 29805046 (cited by Labcorp Genetics (formerly Invitae), Labcorp); PubMed 36428953 (cited by 3 submitters); PubMed 35072004 (cited by Natera, Inc.); PubMed 15141088 (cited by Ambry Genetics).

NM_000492.4(CFTR):c.169T>C (p.Trp57Arg)

Genes: CFTR (CF transmembrane conductance regulator; plus strand), LOC113664106 (CFTR intron 2 DNase I hypersensitive site; plus strand). Cytogenetic location: 7q31.2.
Variant type: single nucleotide variant.
Coding change: c.169T>C on transcript NM_000492.4 (MANE Select); coding-DNA position 169, T replaced by C.
Protein change: p.Trp57Arg; replaces tryptophan 57 with arginine.
Molecular consequence: missense variant.
Genome position (GRCh38, 1-based): chr7:117,509,038, T>C. VCF-style: chr7-117509038-T-C. GRCh37 (hg19) VCF-style: chr7-117149092-T-C.
Other names: short protein forms W57R.
Identifiers: ClinVar variation 53346 (VCV000053346.19), dbSNP rs397508272, ClinGen allele CA326615.